The following is an entry in ClinVar:

ClinVar aggregate classification (germline): Uncertain significance. Review status: criteria provided, multiple submitters, no conflicts (2 of 4 stars). 2 submissions from 2 submitters: Uncertain significance (2). Last evaluated 2025-07-23.

Conditions:
Hereditary breast ovarian cancer syndrome. Also called: Hereditary breast and ovarian cancer syndrome (HBOC); Hereditary breast and ovarian cancer syndrome; Hereditary breast and/or ovarian cancer syndrome; Hereditary breast and ovarian cancer; Breast and ovarian cancer; BRCA1- and BRCA2-Associated Hereditary Breast and Ovarian Cancer. Identifiers: Orphanet 145, MedGen C0677776, MeSH D061325, MONDO:0003582. Disease mechanism: loss of function.
Hereditary cancer-predisposing syndrome. Also called: Neoplastic Syndromes, Hereditary; Hereditary neoplastic syndrome; Tumor predisposition; Hereditary Cancer Syndrome. Identifiers: Orphanet 140162, MedGen C0027672, MeSH D009386, MONDO:0015356.

Submissions (2):

Color Diagnostics, LLC DBA Color Health
Classification: Uncertain significance for Hereditary cancer-predisposing syndrome. Last evaluated: 2025-07-23. Review status: criteria provided, single submitter. Criteria: ACMG Guidelines, 2015. Collection method: clinical testing. Allele origin: germline.
Comment: This missense variant replaces leucine with serine at codon 103 of the BRCA2 protein. Computational prediction suggests that this variant may not impact protein structure and function. To our knowledge, functional studies have not been reported for this variant. This variant has not been reported in individuals affected with BRCA2-related disorders in the literature. This variant has not been identified in the general population by the Genome Aggregation Database (gnomAD). The available evidence is insufficient to determine the role of this variant in disease conclusively. Therefore, this variant is classified as a Variant of Uncertain Significance.

Labcorp Genetics (formerly Invitae), Labcorp
Classification: Uncertain significance for Hereditary breast ovarian cancer syndrome. Last evaluated: 2023-05-07. Review status: criteria provided, single submitter. Criteria: Invitae Variant Classification Sherloc (09022015). Collection method: clinical testing. Allele origin: germline.
Comment: In summary, the available evidence is currently insufficient to determine the role of this variant in disease. Therefore, it has been classified as a Variant of Uncertain Significance. This sequence change replaces leucine, which is neutral and non-polar, with serine, which is neutral and polar, at codon 103 of the BRCA2 protein (p.Leu103Ser). This variant is not present in population databases (gnomAD no frequency). This variant has not been reported in the literature in individuals affected with BRCA2-related conditions. Advanced modeling of protein sequence and biophysical properties (such as structural, functional, and spatial information, amino acid conservation, physicochemical variation, residue mobility, and thermodynamic stability) performed at Invitae indicates that this missense variant is not expected to disrupt BRCA2 protein function.

NM_000059.4(BRCA2):c.308T>C (p.Leu103Ser)

Gene: BRCA2 (BRCA2 DNA repair associated; plus strand). Cytogenetic location: 13q13.1.
Variant type: single nucleotide variant.
Coding change: c.308T>C on transcript NM_000059.4 (MANE Select); coding-DNA position 308, T replaced by C.
Protein change: p.Leu103Ser; replaces leucine 103 with serine.
Molecular consequence: missense variant. On other transcripts: 5 prime UTR variant (1), non-coding transcript variant (1).
Genome position (GRCh38, 1-based): chr13:32,319,317, T>C. VCF-style: chr13-32319317-T-C. GRCh37 (hg19) VCF-style: chr13-32893454-T-C.
Other names: c.308T>C, p.Leu103Ser (NM_001406719.1, NM_001406720.1, NM_001406721.1); c.-62T>C (NM_001406722.1); short protein forms L103S.
Identifiers: ClinVar variation 2854933 (VCV002854933.4), dbSNP rs2138705883, ClinGen allele CA387754704.